The following is an entry in ClinVar:

NM_016507.4(CDK12):c.730C>A (p.Gln244Lys)

Genes: CDK12 (cyclin dependent kinase 12; plus strand), LOC126862553 (CDK7 strongly-dependent group 2 enhancer GRCh37_chr17:37618166-37619365; plus strand). Cytogenetic location: 17q12.
Variant type: single nucleotide variant.
Coding change: c.730C>A on transcript NM_016507.4 (MANE Select); coding-DNA position 730, C replaced by A.
Protein change: p.Gln244Lys; replaces glutamine 244 with lysine.
Molecular consequence: missense variant.
Genome position (GRCh38, 1-based): chr17:39,462,801, C>A. VCF-style: chr17-39462801-C-A. GRCh37 (hg19) VCF-style: chr17-37619054-C-A.
Other names: c.730C>A, p.Gln244Lys (NM_015083.4); short protein forms Q244K.
Identifiers: ClinVar variation 3999433 (VCV003999433.1).

ClinVar aggregate classification (germline): Uncertain significance (1 of 4 stars; one submission).

gnomAD v4.1: 17 of 1,614,024 alleles (0.0011%); no homozygotes.

Submission:

Ambry Genetics
Classification: Uncertain significance. Last evaluated: 2025-05-07. Review status: criteria provided, single submitter. Criteria: Ambry Variant Classification Scheme 2023. Collection method: clinical testing. Allele origin: germline.
Comment: The p.Q244K variant (also known as c.730C>A), located in coding exon 1 of the CDK12 gene, results from a C to A substitution at nucleotide position 730. The glutamine at codon 244 is replaced by lysine, an amino acid with similar properties. This amino acid position is conserved. In addition, this alteration is predicted to be tolerated by in silico analysis. Based on the available evidence, the clinical significance of this variant remains unclear.